The following is an entry in ClinVar:

NM_198076.6(COX20):c.334C>T (p.His112Tyr)

Gene: COX20 (cytochrome c oxidase assembly factor COX20; plus strand). Cytogenetic location: 1q44.
Variant type: single nucleotide variant.
Coding change: c.334C>T on transcript NM_198076.6 (MANE Select); coding-DNA position 334, C replaced by T.
Protein change: p.His112Tyr; replaces histidine 112 with tyrosine.
Molecular consequence: missense variant. On other transcripts: 3 prime UTR variant (1), non-coding transcript variant (3).
Genome position (GRCh38, 1-based): chr1:244,843,153, C>T. VCF-style: chr1-244843153-C-T. GRCh37 (hg19) VCF-style: chr1-245006455-C-T.
Other names: c.334C>T, p.His112Tyr (NM_001312871.1); c.370C>T, p.His124Tyr (NM_001312872.1); c.199C>T, p.His67Tyr (NM_001312873.1); c.*144C>T (NM_001312874.1); short protein forms H112Y, H67Y, H124Y.
Identifiers: ClinVar variation 1346132 (VCV001346132.7), dbSNP rs2102976812, ClinGen allele CA345485552.
Genomic context (GRCh38, chr1:244,843,153, plus strand): 5'-AGAGAAGAAATTAAAAAGAAGATATTATATGAAGGTACCCACCTCGATCCTGAAAGAAAA[C>T]ACAACGGCAGCAGCAGCAATTGAACAATCTTGAGCATAGAAGTCAATGTAAACGAAGTTA-3'
Protein context (NP_932342.1, residues 102-118): EGTHLDPERK[His112Tyr]NGSSSN

ClinVar aggregate classification (germline): Uncertain significance. Review status: criteria provided, multiple submitters, no conflicts (2 of 4 stars). 2 submissions from 2 submitters: Uncertain significance (2). Last evaluated 2025-01-27.

Conditions:
Mitochondrial complex IV deficiency, nuclear type 11. Also called: Mitochondrial complex 4 deficiency, nuclear type 11. Identifiers: MedGen C5436694, MONDO:0033645, OMIM 619054.

Submissions (2):

Labcorp Genetics (formerly Invitae), Labcorp
Classification: Uncertain significance. Last evaluated: 2025-01-27. Review status: criteria provided, single submitter. Criteria: Invitae Variant Classification Sherloc (09022015). Collection method: clinical testing. Allele origin: germline.
Comment: This sequence change replaces histidine, which is basic and polar, with tyrosine, which is neutral and polar, at codon 112 of the COX20 protein (p.His112Tyr). This variant is not present in population databases (gnomAD no frequency). This variant has not been reported in the literature in individuals affected with COX20-related conditions. ClinVar contains an entry for this variant (Variation ID: 1346132). An algorithm developed to predict the effect of missense changes on protein structure and function (PolyPhen-2) suggests that this variant is likely to be tolerated. In summary, the available evidence is currently insufficient to determine the role of this variant in disease. Therefore, it has been classified as a Variant of Uncertain Significance.

Fulgent Genetics
Classification: Uncertain significance for Mitochondrial complex IV deficiency, nuclear type 11. Last evaluated: 2022-02-16. Review status: criteria provided, single submitter. Criteria: ACMG Guidelines, 2015. Collection method: clinical testing. Allele origin: unknown.